The following is an entry in ClinVar:

NM_000540.3(RYR1):c.6892-89GCAGG[3]

Gene: RYR1 (ryanodine receptor 1; plus strand). Cytogenetic location: 19q13.2.
Variant type: Microsatellite.
Coding change: c.6892-89GCAGG[3] on transcript NM_000540.3 (MANE Select); three copies in a row of the 5-base unit GCAGG starting at c.6892-89.
Molecular consequence: intron variant.
Genome position: GRCh38 VCF-style: chr19-38499018-CGCAGG-C. GRCh37 (hg19) VCF-style: chr19-38989658-CGCAGG-C.
Other names: c.6892-89GCAGG[3] (NM_001042723.2).
Identifiers: ClinVar variation 670494 (VCV000670494.1), dbSNP rs3842417, ClinGen allele CA308107151.

ClinVar aggregate classification (germline): Benign (1 of 4 stars; one submission).

Submission:

GeneDx
Classification: Benign. Last evaluated: 2018-06-19. Review status: criteria provided, single submitter. Criteria: GeneDx Variant Classification (06012015). Collection method: clinical testing. Allele origin: germline. Affected: yes.
Comment: This variant is considered likely benign or benign based on one or more of the following criteria: it is a conservative change, it occurs at a poorly conserved position in the protein, it is predicted to be benign by multiple in silico algorithms, and/or has population frequency not consistent with disease.